The following is an entry in ClinVar:

ClinVar aggregate classification (germline): Uncertain significance (1 of 4 stars; one submission).

Conditions:
Metachromatic leukodystrophy (MLD). Also called: Arylsulfatase A Deficiency; SULFATIDE LIPIDOSIS; ARSA DEFICIENCY; CEREBROSIDE SULFATASE DEFICIENCY; Cerebral sclerosis diffuse metachromatic form; METACHROMATIC LEUKOENCEPHALOPATHY. Identifiers: Orphanet 512, MedGen C0023522, MONDO:0018868, OMIM 250100.

Submission:

Labcorp Genetics (formerly Invitae), Labcorp
Classification: Uncertain significance for Metachromatic leukodystrophy. Last evaluated: 2021-08-29. Review status: criteria provided, single submitter. Criteria: Invitae Variant Classification Sherloc (09022015). Collection method: clinical testing. Allele origin: germline.
Comment: This sequence change replaces leucine with valine at codon 338 of the ARSA protein (p.Leu338Val). The leucine residue is moderately conserved and there is a small physicochemical difference between leucine and valine. This variant is not present in population databases (ExAC no frequency). This variant has not been reported in the literature in individuals affected with ARSA-related conditions. Advanced modeling of protein sequence and biophysical properties (such as structural, functional, and spatial information, amino acid conservation, physicochemical variation, residue mobility, and thermodynamic stability) performed at Invitae indicates that this missense variant is expected to disrupt ARSA protein function. In summary, the available evidence is currently insufficient to determine the role of this variant in disease. Therefore, it has been classified as a Variant of Uncertain Significance.

NM_000487.6(ARSA):c.1012C>G (p.Leu338Val)

Gene: ARSA (arylsulfatase A; minus strand). Cytogenetic location: 22q13.33.
Variant type: single nucleotide variant.
Coding change: c.1012C>G on transcript NM_000487.6 (MANE Select); coding-DNA position 1012, C replaced by G.
Protein change: p.Leu338Val; replaces leucine 338 with valine.
Molecular consequence: missense variant.
Genome position (GRCh38, 1-based): chr22:50,626,031, G>C on the plus strand (C>G on the coding strand, the complement: ARSA is on the minus strand). VCF-style: chr22-50626031-G-C. GRCh37 (hg19) VCF-style: chr22-51064459-G-C.
Other names: c.1012C>G, p.Leu338Val (NM_001085425.3, NM_001085426.3, NM_001085427.3); c.754C>G, p.Leu252Val (NM_001085428.3, NM_001362782.2); short protein forms L338V, L252V.
Identifiers: ClinVar variation 1378556 (VCV001378556.3), dbSNP rs2146719624, ClinGen allele CA412172227.